The following is an entry in ClinVar:

ClinVar aggregate classification (germline): Conflicting classifications of pathogenicity. Review status: criteria provided, conflicting classifications (1 of 4 stars). 7 submissions from 7 submitters: Uncertain significance (2); Likely benign (5). Last evaluated 2026-07-30.

Conditions:
TSC1-related disorder. Also called: TSC1-related condition.
Hereditary cancer-predisposing syndrome. Also called: Neoplastic Syndromes, Hereditary; Hereditary Cancer Syndrome; Tumor predisposition; Hereditary neoplastic syndrome. Identifiers: Orphanet 140162, MedGen C0027672, MeSH D009386, MONDO:0015356.
Tuberous sclerosis syndrome (TSC). Also called: Tuberous Sclerosis Complex; Tuberous sclerosis. Identifiers: Orphanet 805, MedGen C0041341, MONDO:0001734.
Tuberous sclerosis 1 (TSC1). Identifiers: Orphanet 805, MedGen C1854465, MONDO:0008612, OMIM 191100.

Allele frequency attached by ClinVar (database versions not stated): gnomAD 0.00001 and 0.00012; gnomAD exomes 0.00001; TOPMed 0.00015.
gnomAD v4.1: 27 of 1,613,960 alleles (0.0017%); highest among the groups gnomAD compares: Non-Finnish European, 0.00093%; no homozygotes.

Submissions (7):

PreventionGenetics, part of Exact Sciences
Classification: Likely benign for TSC1-related condition. Last evaluated: 2026-07-30. Review status: criteria provided, single submitter. Criteria: ACMG Guidelines, 2015. Collection method: clinical testing. Allele origin: germline.
Comment: This variant is classified as likely benign based on ACMG/AMP sequence variant interpretation guidelines (Richards et al. 2015 PMID: 25741868, with internal and published modifications).

Labcorp Genetics (formerly Invitae), Labcorp
Classification: Likely benign for Tuberous sclerosis 1. Last evaluated: 2025-11-17. Review status: criteria provided, single submitter. Criteria: Invitae Variant Classification Sherloc (09022015). Collection method: clinical testing. Allele origin: germline.

Color Diagnostics, LLC DBA Color Health
Classification: Uncertain significance for Tuberous sclerosis syndrome. Last evaluated: 2024-03-06. Review status: criteria provided, single submitter. Criteria: ACMG Guidelines, 2015. Collection method: clinical testing. Allele origin: germline.
Comment: This missense variant replaces aspartic acid with alanine at codon 156 of the TSC1 protein. Computational prediction suggests that this variant may have deleterious impact on protein structure and function. To our knowledge, functional studies have not been reported for this variant. This variant has not been reported in individuals affected with TSC1-related disorders in the literature. This variant has been identified in 2/251358 chromosomes in the general population by the Genome Aggregation Database (gnomAD). The available evidence is insufficient to determine the role of this variant in disease conclusively. Therefore, this variant is classified as a Variant of Uncertain Significance.

All of Us Research Program, National Institutes of Health
Classification: Uncertain significance for Tuberous sclerosis syndrome. Last evaluated: 2023-12-13. Review status: criteria provided, single submitter. Criteria: ACMG Guidelines, 2015. Collection method: clinical testing. Allele origin: germline. Inheritance: Autosomal dominant inheritance. Observed: 5 variant alleles, 5 heterozygotes.
Comment: This missense variant replaces aspartic acid with alanine at codon 156 of the TSC1 protein. Computational prediction suggests that this variant may have deleterious impact on protein structure and function (internally defined REVEL score threshold >= 0.7, PMID: 27666373). To our knowledge, functional studies have not been reported for this variant. This variant has not been reported in individuals affected with TSC1-related disorders in the literature. This variant has been identified in 2/251358 chromosomes in the general population by the Genome Aggregation Database (gnomAD). The available evidence is insufficient to determine the role of this variant in disease conclusively. Therefore, this variant is classified as a Variant of Uncertain Significance.

This study involves interpretation of variants in research participants for the purpose of population health screening. Participant phenotype was not available at the time of variant classification. Additional details can be found in publication PMID: 35346344, PMCID: PMC8962531

Genome-Nilou Lab
Classification: Likely benign for Tuberous sclerosis 1. Last evaluated: 2021-11-07. Review status: criteria provided, single submitter. Criteria: ACMG Guidelines, 2015. Collection method: clinical testing. Allele origin: germline. Affected: no.

GeneDx
Classification: Likely benign. Last evaluated: 2021-07-26. Review status: criteria provided, single submitter. Criteria: GeneDx Variant Classification Process June 2021. Collection method: clinical testing. Allele origin: germline. Affected: yes.
Comment: In silico analysis, which includes protein predictors and evolutionary conservation, supports a deleterious effect Has not been previously published as pathogenic or benign to our knowledge

Ambry Genetics
Classification: Likely benign for Hereditary cancer-predisposing syndrome. Last evaluated: 2021-01-12. Review status: criteria provided, single submitter. Criteria: Ambry Variant Classification Scheme 2023. Collection method: clinical testing. Allele origin: germline.

NM_000368.5(TSC1):c.467A>C (p.Asp156Ala)

Gene: TSC1 (TSC complex subunit 1; minus strand). Cytogenetic location: 9q34.13.
Variant type: single nucleotide variant.
Coding change: c.467A>C on transcript NM_000368.5 (MANE Select); coding-DNA position 467, A replaced by C.
Protein change: p.Asp156Ala; replaces aspartic acid 156 with alanine.
Molecular consequence: missense variant.
Genome position (GRCh38, 1-based): chr9:132,923,389, T>G on the plus strand (A>C on the coding strand, the complement: TSC1 is on the minus strand). VCF-style: chr9-132923389-T-G. GRCh37 (hg19) VCF-style: chr9-135798776-T-G.
Other names: c.467A>C, p.Asp156Ala (NM_001162426.2); c.314A>C, p.Asp105Ala (NM_001162427.2); c.104A>C, p.Asp35Ala (NM_001362177.2); short protein forms D156A, D35A, D105A.
Identifiers: ClinVar variation 486560 (VCV000486560.24), dbSNP rs893232039, ClinGen allele CA200901578.